The following is an entry in ClinVar:

ClinVar aggregate classification (germline): Benign/Likely benign. Review status: criteria provided, multiple submitters, no conflicts (2 of 4 stars). 14 submissions from 14 submitters: Benign (10); Likely benign (2). 2 of the submissions do not count toward it. Last evaluated 2026-08-04.

Conditions:
Hereditary pheochromocytoma and paraganglioma. Also called: Hereditary pheochromocytoma-paraganglioma; Hereditary Paraganglioma-Pheochromocytoma Syndromes; Hereditary paragangliomas and pheochromocytomas. Identifiers: Orphanet 29072, MedGen C4274332, MONDO:0017366.
Pheochromocytoma/paraganglioma syndrome 2. Also called: Paragangliomas 2; GLOMUS TUMORS, FAMILIAL, 2; SDHAF2-Related Hereditary Paraganglioma-Pheochromocytoma Syndrome; SDHAF2-Related Hereditary Paraganglioma-Pheochromocytoma Syndrome (Paragangliomas 2). Identifiers: Orphanet 29072, MedGen C1866552, MONDO:0011121, OMIM 601650.

Allele frequency attached by ClinVar (database versions not stated): gnomAD exomes 0.00118 and 0.00357; ExAC 0.00446; 1000 Genomes Project 0.01558; TOPMed 0.01572; 1000 Genomes Project 30x 0.01640; gnomAD 0.01352 and 0.01460; ESP Exome Variant Server 0.01546.
gnomAD v4.1: 3,923 of 1,614,226 alleles (0.24%); highest among the groups gnomAD compares: African/African-American, 4.5%; 97 homozygotes.

Submissions (14):

Myriad Genetics, Inc.
Classification: Benign for Pheochromocytoma/paraganglioma syndrome 2. Last evaluated: 2026-08-04. Review status: criteria provided, single submitter. Criteria: Myriad Autosomal Dominant, Autosomal Recessive and X-Linked Classification Criteria (2023). Collection method: clinical testing. Allele origin: unknown.
Comment: This variant is considered benign. This variant is intronic and is not expected to impact mRNA splicing. This variant has been observed at a population frequency that is significantly greater than expected given the associated disease prevalence and penetrance.

Labcorp Genetics (formerly Invitae), Labcorp
Classification: Benign for Hereditary pheochromocytoma and paraganglioma. Last evaluated: 2026-02-03. Review status: criteria provided, single submitter. Criteria: Invitae Variant Classification Sherloc (09022015). Collection method: clinical testing. Allele origin: germline.

Dasa
Classification: Benign. Last evaluated: 2025-12-26. Review status: criteria provided, single submitter. Criteria: DASA Assertion Criteria. Collection method: clinical testing. Allele origin: germline.
Comment: NM_017841.4(SDHAF2):c.36+10G>A is interpreted as benign based on a combination of available evidence, which may include population frequency, observations in unaffected individuals, intact protein function, lack of segregation with disease, in silico models, amino acid conservation, lack of disease association in case-control studies, and/or inconsistency with the known disease mechanism or impacted region. Based on the available data, this variant is classified as benign.

ARUP Laboratories, Molecular Genetics and Genomics, ARUP Laboratories
Classification: Benign for Pheochromocytoma/paraganglioma syndrome 2. Last evaluated: 2025-05-06. Review status: criteria provided, single submitter. Criteria: ARUP Molecular Germline Variant Investigation Process 2024. Collection method: clinical testing. Allele origin: germline.

Quest Diagnostics Nichols Institute San Juan Capistrano
Classification: Benign. Last evaluated: 2025-04-18. Review status: criteria provided, single submitter. Criteria: Quest Diagnostics criteria. Collection method: clinical testing. Allele origin: unknown.

Mayo Clinic Laboratories, Mayo Clinic
Classification: Likely benign. Last evaluated: 2025-02-11. Review status: criteria provided, single submitter. Criteria: ACMG Guidelines, 2015. Collection method: clinical testing. Allele origin: germline. Observed: 4 variant alleles.
Comment: BS1, BP4, BP7

Department of Pathology and Laboratory Medicine, Sinai Health System
Classification: Benign for hereditary pheochromocytoma-paraganglioma. Last evaluated: 2023-06-09. Review status: criteria provided, single submitter. Criteria: ACMG Guidelines, 2015. Collection method: clinical testing. Allele origin: germline. Affected: no.

Fulgent Genetics
Classification: Likely benign for Pheochromocytoma/paraganglioma syndrome 2. Last evaluated: 2021-10-08. Review status: criteria provided, single submitter. Criteria: ACMG Guidelines, 2015. Collection method: clinical testing. Allele origin: unknown.

Illumina Laboratory Services, Illumina
Classification: Benign for Hereditary Paraganglioma-Pheochromocytoma Syndromes. Last evaluated: 2018-01-12. Review status: criteria provided, single submitter. Criteria: ICSL Variant Classification Criteria 13 December 2019. Collection method: clinical testing. Allele origin: germline.
Comment: This variant was observed in the ICSL laboratory as part of a predisposition screen in an ostensibly healthy population. It had not been previously curated by ICSL or reported in the Human Gene Mutation Database (HGMD: prior to June 1st, 2018), and was therefore a candidate for classification through an automated scoring system. Utilizing variant allele frequency, disease prevalence and penetrance estimates, and inheritance mode, an automated score was calculated to assess if this variant is too frequent to cause the disease. Based on the score and internal cut-off values, a variant classified as benign is not then subjected to further curation. The score for this variant resulted in a classification of benign for this disease.

GeneDx
Classification: Benign. Last evaluated: 2016-10-24. Review status: criteria provided, single submitter. Criteria: GeneDx Variant Classification (06012015). Collection method: clinical testing. Allele origin: germline. Affected: yes.
Comment: This variant is considered likely benign or benign based on one or more of the following criteria: it is a conservative change, it occurs at a poorly conserved position in the protein, it is predicted to be benign by multiple in silico algorithms, and/or has population frequency not consistent with disease.

Breakthrough Genomics
Classification: Benign. Review status: criteria provided, single submitter. Criteria: ACMG Guidelines, 2015. Collection method: not provided. Allele origin: germline. Inheritance: Autosomal dominant inheritance. Affected: yes.

PreventionGenetics, part of Exact Sciences
Classification: Benign. Review status: criteria provided, single submitter. Criteria: ACMG Guidelines, 2015. Collection method: clinical testing. Allele origin: germline.

Genome Diagnostics Laboratory, University Medical Center Utrecht
Classification: Benign. Review status: no assertion criteria provided. Collection method: clinical testing. Allele origin: germline. Affected: yes. Study: VKGL Data-share Consensus. Not counted in ClinVar's aggregate classification.

Joint Genome Diagnostic Labs from Nijmegen and Maastricht, Radboudumc and MUMC+
Classification: Benign. Review status: no assertion criteria provided. Collection method: clinical testing. Allele origin: germline. Affected: yes. Study: VKGL Data-share Consensus. Not counted in ClinVar's aggregate classification.

NM_017841.4(SDHAF2):c.36+10G>A

Gene: SDHAF2 (succinate dehydrogenase complex assembly factor 2; plus strand). Cytogenetic location: 11q12.2.
Variant type: single nucleotide variant.
Coding change: c.36+10G>A on transcript NM_017841.4 (MANE Select); 10 bases into the intron after coding-DNA position 36, G replaced by A.
Molecular consequence: intron variant.
Genome position (GRCh38, 1-based): chr11:61,430,192, G>A. VCF-style: chr11-61430192-G-A. GRCh37 (hg19) VCF-style: chr11-61197664-G-A.
Other names: p.?.
Identifiers: ClinVar variation 241217 (VCV000241217.29), dbSNP rs114207859, ClinGen allele CA058576.